The following is an entry in ClinVar:

NM_001792.5(CDH2):c.1000G>A (p.Ala334Thr)

Gene: CDH2 (cadherin 2; minus strand). Cytogenetic location: 18q12.1.
Variant type: single nucleotide variant.
Coding change: c.1000G>A on transcript NM_001792.5 (MANE Select); coding-DNA position 1000, G replaced by A.
Protein change: p.Ala334Thr; replaces alanine 334 with threonine.
Molecular consequence: missense variant.
Genome position (GRCh38, 1-based): chr18:28,003,017, C>T on the plus strand (G>A on the coding strand, the complement: CDH2 is on the minus strand). VCF-style: chr18-28003017-C-T. GRCh37 (hg19) VCF-style: chr18-25582981-C-T.
Other names: c.907G>A, p.Ala303Thr (NM_001308176.2); short protein forms A334T, A303T.
Identifiers: ClinVar variation 1945749 (VCV001945749.5), dbSNP rs2510808298, ClinGen allele CA402242704.

ClinVar aggregate classification (germline): Uncertain significance (1 of 4 stars; one submission).

Submission:

Labcorp Genetics (formerly Invitae), Labcorp
Classification: Uncertain significance. Last evaluated: 2021-12-19. Review status: criteria provided, single submitter. Criteria: Invitae Variant Classification Sherloc (09022015). Collection method: clinical testing. Allele origin: germline.
Comment: This sequence change replaces alanine, which is neutral and non-polar, with threonine, which is neutral and polar, at codon 334 of the CDH2 protein (p.Ala334Thr). This variant is not present in population databases (gnomAD no frequency). This variant has not been reported in the literature in individuals affected with CDH2-related conditions. Algorithms developed to predict the effect of missense changes on protein structure and function are either unavailable or do not agree on the potential impact of this missense change (SIFT: "Deleterious"; PolyPhen-2: "Probably Damaging"; Align-GVGD: "Class C0"). In summary, the available evidence is currently insufficient to determine the role of this variant in disease. Therefore, it has been classified as a Variant of Uncertain Significance.